The following is an entry in ClinVar:

NM_182493.3(MYLK3):c.704C>A (p.Ala235Glu)

Gene: MYLK3 (myosin light chain kinase 3; minus strand). Cytogenetic location: 16q11.2.
Variant type: single nucleotide variant.
Coding change: c.704C>A on transcript NM_182493.3 (MANE Select); coding-DNA position 704, C replaced by A.
Protein change: p.Ala235Glu; replaces alanine 235 with glutamic acid.
Molecular consequence: missense variant. On other transcripts: intron variant (1).
Genome position (GRCh38, 1-based): chr16:46,738,008, G>T on the plus strand (C>A on the coding strand, the complement: MYLK3 is on the minus strand). VCF-style: chr16-46738008-G-T. GRCh37 (hg19) VCF-style: chr16-46771920-G-T.
Other names: c.-23+2049C>A (NM_001308301.1); short protein forms A235E.
Identifiers: ClinVar variation 3700069 (VCV003700069.2).

ClinVar aggregate classification (germline): Uncertain significance (1 of 4 stars; one submission).

gnomAD v4.1: 2 of 1,613,404 alleles (0.00012%); highest among the groups gnomAD compares: South Asian, 0.0022%; no homozygotes.

Submission:

Labcorp Genetics (formerly Invitae), Labcorp
Classification: Uncertain significance. Last evaluated: 2024-09-28. Review status: criteria provided, single submitter. Criteria: Invitae Variant Classification Sherloc (09022015). Collection method: clinical testing. Allele origin: germline.
Comment: This sequence change replaces alanine, which is neutral and non-polar, with glutamic acid, which is acidic and polar, at codon 235 of the MYLK3 protein (p.Ala235Glu). This variant is not present in population databases (gnomAD no frequency). This variant has not been reported in the literature in individuals affected with MYLK3-related conditions. An algorithm developed to predict the effect of missense changes on protein structure and function outputs the following: PolyPhen-2: "Benign". The glutamic acid amino acid residue is found in multiple mammalian species, which suggests that this missense change does not adversely affect protein function. In summary, the available evidence is currently insufficient to determine the role of this variant in disease. Therefore, it has been classified as a Variant of Uncertain Significance.